The following is an entry in ClinVar:

ClinVar aggregate classification (germline): Uncertain significance (1 of 4 stars; one submission).

Conditions:
Absence seizure. Also called: Absence epilepsy. Identifiers: Orphanet 1941, MedGen C0014553.
Myoclonic epilepsy, juvenile, susceptibility to, 1. Also called: Myoclonic Epilepsy, Juvenile, 1; EJM1. Identifiers: MedGen C1850778, MONDO:0020752, OMIM 254770.

Submission:

Labcorp Genetics (formerly Invitae), Labcorp
Classification: Uncertain significance for Myoclonic epilepsy, juvenile, susceptibility to, 1; Absence seizure. Last evaluated: 2022-06-11. Review status: criteria provided, single submitter. Criteria: Invitae Variant Classification Sherloc (09022015). Collection method: clinical testing. Allele origin: germline.
Comment: In summary, the available evidence is currently insufficient to determine the role of this variant in disease. Therefore, it has been classified as a Variant of Uncertain Significance. Algorithms developed to predict the effect of sequence changes on RNA splicing suggest that this variant may disrupt the consensus splice site. ClinVar contains an entry for this variant (Variation ID: 1006195). This variant has not been reported in the literature in individuals affected with EFHC1-related conditions. This variant is not present in population databases (gnomAD no frequency). This sequence change creates a premature translational stop signal (p.Pro365Valfs*9) in the EFHC1 gene. It is expected to result in an absent or disrupted protein product. However, the current clinical and genetic evidence is not sufficient to establish whether loss-of-function variants in EFHC1 cause disease.

NM_018100.4(EFHC1):c.1091_1092insGGTATTACCTGATTTGGTAATTTGGTAATTACTGATTTGGTAATTTGGAATT (p.Leu364_Pro365insValLeuProAspLeuValIleTrpTer)

Gene: EFHC1 (EF-hand domain containing 1; plus strand). Cytogenetic location: 6p12.2.
Variant type: Insertion.
Coding change: c.1091_1092insGGTATTACCTGATTTGGTAATTTGGTAATTACTGATTTGGTAATTTGGAATT on transcript NM_018100.4 (MANE Select); coding-DNA positions 1091 to 1092, GGTATTACCTGATTTGGTAATTTGGTAATTACTGATTTGGTAATTTGGAATT inserted.
Protein change: p.Leu364_Pro365insValLeuProAspLeuValIleTrpTer.
Molecular consequence: nonsense, inframe insertion. On other transcripts: non-coding transcript variant (1).
Genome position: GRCh38: chr6:52,465,069-52,465,070. GRCh37 (hg19): chr6:52,329,867-52,329,868.
Other names: c.1034_1035insGGTATTACCTGATTTGGTAATTTGGTAATTACTGATTTGGTAATTTGGAATT, p.Leu345_Pro346insValLeuProAspLeuValIleTrpTer (NM_001172420.2).
Identifiers: ClinVar variation 1006195 (VCV001006195.8), dbSNP rs1765271672, ClinGen allele CA1628826046.